The following is an entry in ClinVar:

NM_003809.3(TNFSF12):c.197A>G (p.Gln66Arg)

Genes: TNFSF12 (TNF superfamily member 12; plus strand), TNFSF12-TNFSF13 (TNFSF12-TNFSF13 readthrough; plus strand). Cytogenetic location: 17p13.1.
Variant type: single nucleotide variant.
Coding change: c.197A>G on transcript NM_003809.3 (MANE Select); coding-DNA position 197, A replaced by G.
Protein change: p.Gln66Arg; replaces glutamine 66 with arginine.
Molecular consequence: missense variant. On other transcripts: non-coding transcript variant (1).
Genome position (GRCh38, 1-based): chr17:7,549,511, A>G. VCF-style: chr17-7549511-A-G. GRCh37 (hg19) VCF-style: chr17-7452828-A-G.
Other names: c.197A>G, p.Gln66Arg (NM_172089.4); short protein forms Q66R.
Identifiers: ClinVar variation 1362337 (VCV001362337.8), dbSNP rs1390303105, ClinGen allele CA397855318.
Genomic context (GRCh38, chr17:7,549,511, plus strand): 5'-TGACGCTCCCTCCTTCCCAGCAGGAGCCTGCCCAGGAGGAGCTGGTGGCAGAGGAGGACC[A>G]GGACCCGTCGGTGAGTGGGCGTGGGCGCGGTCTGCAGGCTGCTGGGGCATGGGAAGTGTG-3'
Protein context (NP_003800.1, residues 56-76): AQEELVAEED[Gln66Arg]DPSELNPQTE

ClinVar aggregate classification (germline): Uncertain significance (1 of 4 stars; one submission).

Conditions:
Common variable immunodeficiency (CVID). Also called: Common variable hypogamma-globulinemia; Common variable agammaglobulinemia. Identifiers: Orphanet 1572, MedGen C0009447, MONDO:0015517.

Allele frequency attached by ClinVar (database versions not stated): gnomAD exomes 0.00001 and 0.00002; TOPMed 0.00002.
gnomAD v4.1: 5 of 1,553,122 alleles (0.00032%); highest among the groups gnomAD compares: East Asian, 0.012%; no homozygotes.

Submission:

Labcorp Genetics (formerly Invitae), Labcorp
Classification: Uncertain significance for Common variable immunodeficiency. Last evaluated: 2025-06-03. Review status: criteria provided, single submitter. Criteria: Invitae Variant Classification Sherloc (09022015). Collection method: clinical testing. Allele origin: germline.
Comment: This sequence change replaces glutamine, which is neutral and polar, with arginine, which is basic and polar, at codon 66 of the TNFSF12 protein (p.Gln66Arg). The frequency data for this variant in the population databases is considered unreliable, as metrics indicate poor data quality at this position in the gnomAD database. This variant has not been reported in the literature in individuals affected with TNFSF12-related conditions. ClinVar contains an entry for this variant (Variation ID: 1362337). An algorithm developed to predict the effect of missense changes on protein structure and function outputs the following: PolyPhen-2: "Benign". The arginine amino acid residue is found in multiple mammalian species, which suggests that this missense change does not adversely affect protein function. In summary, the available evidence is currently insufficient to determine the role of this variant in disease. Therefore, it has been classified as a Variant of Uncertain Significance.